The following is an entry in ClinVar:

ClinVar aggregate classification (germline): Conflicting classifications of pathogenicity. Review status: criteria provided, conflicting classifications (1 of 4 stars). 4 submissions from 4 submitters: Likely pathogenic (1); Uncertain significance (2). 1 of the submissions does not count toward it. Last evaluated 2025-07-31.

Conditions:
Inborn genetic diseases. Identifiers: MedGen C0950123, MeSH D030342.
Familial hypokalemia-hypomagnesemia (GTLMNS). Also called: HYPOMAGNESEMIA-HYPOKALEMIA, PRIMARY RENOTUBULAR, WITH HYPOCALCIURIA; POTASSIUM AND MAGNESIUM DEPLETION; gitelman syndrome. Identifiers: Orphanet 358, MedGen C0268450, MONDO:0009904, OMIM 263800.

gnomAD v4.1: 2 of 1,607,486 alleles (0.00012%); highest among the groups gnomAD compares: Non-Finnish European, 0.00017%; no homozygotes.

Submissions (4):

Ambry Genetics
Classification: Uncertain significance for Inborn genetic diseases. Last evaluated: 2025-07-31. Review status: criteria provided, single submitter. Criteria: Ambry Variant Classification Scheme 2023. Collection method: clinical testing. Allele origin: germline.

Clinical Genetics Unit, University of Padua
Classification: Likely pathogenic for Familial hypokalemia-hypomagnesemia. Last evaluated: 2025-01-01. Review status: criteria provided, single submitter. Criteria: ACMG Guidelines, 2015. Collection method: clinical testing. Allele origin: germline. Affected: yes. Observed: 2 variant alleles.
Comment: This variant affects the tightly packed TM2 and TM3 helices of NCC (PM1); it is present in gnomAD with a European MAF of 1:589,000 (PM2); it was reported in trans in two patients with NM_000339.3:c.506_852del (E4_6del), a pathogenic variant (PM3); it is a missense variant, which is the most common loss-of-function mechanism in SLC12A3 (PP2); ortholog alignment (M. musculus, B. taurus, O. anatinus, G. gallus, D. rerio, S. purpuratus, and C. elegans) and interpretation software (Franklin) predicted a deleterious effect (PP3).

Fulgent Genetics
Classification: Uncertain significance for Familial hypokalemia-hypomagnesemia. Last evaluated: 2024-06-17. Review status: criteria provided, single submitter. Criteria: ACMG Guidelines, 2015. Collection method: clinical testing. Allele origin: germline.

Natera, Inc.
Classification: Uncertain significance for Gitelman syndrome. Last evaluated: 2025-03-17. Review status: no assertion criteria provided. Collection method: clinical testing. Allele origin: germline. Not counted in ClinVar's aggregate classification.

NM_001126108.2(SLC12A3):c.1463T>G (p.Leu488Arg)

Gene: SLC12A3 (solute carrier family 12 member 3; plus strand). Cytogenetic location: 16q13.
Variant type: single nucleotide variant.
Coding change: c.1463T>G on transcript NM_001126108.2 (MANE Select); coding-DNA position 1463, T replaced by G.
Protein change: p.Leu488Arg; replaces leucine 488 with arginine.
Molecular consequence: missense variant.
Genome position (GRCh38, 1-based): chr16:56,880,149, T>G. VCF-style: chr16-56880149-T-G. GRCh37 (hg19) VCF-style: chr16-56914061-T-G.
Other names: NP_000330.3:p.(Leu488Arg); c.1463T>G, p.Leu488Arg (NM_000339.3); c.1460T>G, p.Leu487Arg (NM_001126107.2, NM_001410896.1); c.1463T>G (NM_000339.2); short protein forms L487R, L488R.
Identifiers: ClinVar variation 3581013 (VCV003581013.4).